The following is an entry in ClinVar:

ClinVar aggregate classification (germline): Uncertain significance (1 of 4 stars; one submission).

Submission:

Labcorp Genetics (formerly Invitae), Labcorp
Classification: Uncertain significance. Last evaluated: 2023-11-19. Review status: criteria provided, single submitter. Criteria: Invitae Variant Classification Sherloc (09022015). Collection method: clinical testing. Allele origin: germline.
Comment: This sequence change replaces alanine, which is neutral and non-polar, with glycine, which is neutral and non-polar, at codon 334 of the GNAT1 protein (p.Ala334Gly). This variant is not present in population databases (gnomAD no frequency). This variant has not been reported in the literature in individuals affected with GNAT1-related conditions. Advanced modeling of protein sequence and biophysical properties (such as structural, functional, and spatial information, amino acid conservation, physicochemical variation, residue mobility, and thermodynamic stability) performed at Invitae indicates that this missense variant is not expected to disrupt GNAT1 protein function with a negative predictive value of 80%. In summary, the available evidence is currently insufficient to determine the role of this variant in disease. Therefore, it has been classified as a Variant of Uncertain Significance.

NM_144499.3(GNAT1):c.1001C>G (p.Ala334Gly)

Gene: GNAT1 (G protein subunit alpha transducin 1; plus strand). Cytogenetic location: 3p21.31.
Variant type: single nucleotide variant.
Coding change: c.1001C>G on transcript NM_144499.3 (MANE Select); coding-DNA position 1001, C replaced by G.
Protein change: p.Ala334Gly; replaces alanine 334 with glycine.
Molecular consequence: missense variant.
Genome position (GRCh38, 1-based): chr3:50,194,903, C>G. VCF-style: chr3-50194903-C-G. GRCh37 (hg19) VCF-style: chr3-50232336-C-G.
Other names: c.1001C>G, p.Ala334Gly (NM_000172.4); short protein forms A334G.
Identifiers: ClinVar variation 2697407 (VCV002697407.3), dbSNP rs2546147884, ClinGen allele CA352921048.